The following is an entry in ClinVar:

NM_004304.5(ALK):c.116A>G (p.Gln39Arg)

Gene: ALK (ALK receptor tyrosine kinase; minus strand). Cytogenetic location: 2p23.1.
Variant type: single nucleotide variant.
Coding change: c.116A>G on transcript NM_004304.5 (MANE Select); coding-DNA position 116, A replaced by G.
Protein change: p.Gln39Arg; replaces glutamine 39 with arginine.
Molecular consequence: missense variant.
Genome position (GRCh38, 1-based): chr2:29,920,544, T>C on the plus strand (A>G on the coding strand, the complement: ALK is on the minus strand). VCF-style: chr2-29920544-T-C. GRCh37 (hg19) VCF-style: chr2-30143410-T-C.
Other names: short protein forms Q39R.
Identifiers: ClinVar variation 3649859 (VCV003649859.2).
Genomic context (GRCh38, chr2:29,920,544, plus strand): 5'-ACGAAGTCAACTGCCAGACTCTTCCTCTGCAGGCGCGAGTAGCTGAGTGGCTCCCGGGGC[T>C]GCAGCGGCGGCCCCGCAGCTGGGGAGCCCGCGCGCTGGCCGGTCCCCATCCCGGAGCCCA-3'
Protein context (NP_004295.2, residues 29-49): AGSPAAGPPL[Gln39Arg]PREPLSYSRL

ClinVar aggregate classification (germline): Uncertain significance (1 of 4 stars; one submission).

Conditions:
Neuroblastoma, susceptibility to, 3. Also called: ALK-Related Neuroblastic Tumor Susceptibility. Identifiers: Orphanet 635, MedGen C2751681, MONDO:0013083, OMIM 613014.

Submission:

Labcorp Genetics (formerly Invitae), Labcorp
Classification: Uncertain significance for Neuroblastoma, susceptibility to, 3. Last evaluated: 2024-04-14. Review status: criteria provided, single submitter. Criteria: Invitae Variant Classification Sherloc (09022015). Collection method: clinical testing. Allele origin: germline.
Comment: This sequence change replaces glutamine, which is neutral and polar, with arginine, which is basic and polar, at codon 39 of the ALK protein (p.Gln39Arg). This variant is not present in population databases (gnomAD no frequency). This variant has not been reported in the literature in individuals affected with ALK-related conditions. An algorithm developed to predict the effect of missense changes on protein structure and function (PolyPhen-2) suggests that this variant is likely to be disruptive. In summary, the available evidence is currently insufficient to determine the role of this variant in disease. Therefore, it has been classified as a Variant of Uncertain Significance.